The following is an entry in ClinVar:

ClinVar aggregate classification (germline): Likely pathogenic (1 of 4 stars; one submission).

Conditions:
Glycine encephalopathy 1 (GCE1). Identifiers: MedGen CN376801, MONDO:0958179, OMIM 605899.

Submission:

Variantyx, Inc.
Classification: Likely pathogenic for Glycine encephalopathy 1. Last evaluated: 2025-11-04. Review status: criteria provided, single submitter. Criteria: Variantyx Assertion Criteria 2022. Collection method: clinical testing. Allele origin: germline. Inheritance: Autosomal recessive inheritance. Affected: yes.
Comment: This is a deletion-insertion variant that impacts a splice junction in the GLDC gene (OMIM: 238300). Pathogenic variants in this gene have been associated with autosomal recessive glycine encephalopathy. Algorithms that predict the potential impact of sequence variants on RNA splicing suggest that this variant may disrupt normal splicing (PP3). An alternate change within the same splice donor motif (c.1580+2T>G) has been reported in at least one affected individual (PMID: 26179960) (PS1_Moderate). This variant has a 0.0002% maximum allele frequency in non-founder control populations (PM2). Based on the current evidence, this variant is classified as likely pathogenic for autosomal recessive glycine encephalopathy.

Literature cited by the submitters: PubMed 27362913.

NM_000170.3(GLDC):c.1577_1580+3delinsCACACAAG

Gene: GLDC (glycine decarboxylase; minus strand). Cytogenetic location: 9p24.1.
Variant type: Indel.
Coding change: c.1577_1580+3delinsCACACAAG on transcript NM_000170.3 (MANE Select); coding-DNA position 1577 through 3 bases into the intron after coding-DNA position 1580, ACAGGTT replaced by CACACAAG.
Molecular consequence: splice donor variant.
Genome position (GRCh38, 1-based): chr9:6,589,192-6,589,198, AACCTGT replaced by CTTGTGTG on the plus strand (ACAGGTT replaced by CACACAAG on the coding strand, the reverse complement: GLDC is on the minus strand). VCF-style: chr9-6589192-AACCTGT-CTTGTGTG. GRCh37 (hg19) VCF-style: chr9-6589192-AACCTGT-CTTGTGTG.
Other names: c.1577_1580+3delACAGGTTinsCACACAAG (NM_000170.3).
Identifiers: ClinVar variation 4813689 (VCV004813689.1).